The following is an entry in ClinVar:

NM_014244.5(ADAMTS2):c.534+9G>C

Gene: ADAMTS2 (ADAM metallopeptidase with thrombospondin type 1 motif 2; minus strand). Cytogenetic location: 5q35.3.
Variant type: single nucleotide variant.
Coding change: c.534+9G>C on transcript NM_014244.5 (MANE Select); 9 bases into the intron after coding-DNA position 534, G replaced by C.
Molecular consequence: intron variant.
Genome position (GRCh38, 1-based): chr5:179,343,758, C>G on the plus strand (G>C on the coding strand, the complement: ADAMTS2 is on the minus strand). VCF-style: chr5-179343758-C-G. GRCh37 (hg19) VCF-style: chr5-178770759-C-G.
Other names: p.?; c.534+9G>C (NM_021599.4).
Identifiers: ClinVar variation 353141 (VCV000353141.22), dbSNP rs2271213, ClinGen allele CA3596311.

ClinVar aggregate classification (germline): Benign. Review status: criteria provided, multiple submitters, no conflicts (2 of 4 stars). 10 submissions from 10 submitters: Benign (7). 3 of the submissions do not count toward it. Last evaluated 2026-02-04.

Conditions:
Ehlers-Danlos syndrome, dermatosparaxis type. Also called: Ehlers-Danlos syndrome, type VII, autosomal recessive; EDS VIIC; Dermatosparaxis. Identifiers: Orphanet 1901, MedGen C2700425, MONDO:0009161, OMIM 225410.

Allele frequency attached by ClinVar (database versions not stated): ESP Exome Variant Server 0.28492; TOPMed 0.33070; gnomAD 0.33886; 1000 Genomes Project 30x 0.39304; 1000 Genomes Project 0.39537; gnomAD exomes 0.40681; ExAC 0.41501.
gnomAD v4.1: 597,162 of 1,607,382 alleles (37%); highest among the groups gnomAD compares: South Asian, 51%; 114,676 homozygotes.

Submissions (10):

Labcorp Genetics (formerly Invitae), Labcorp
Classification: Benign for Ehlers-Danlos syndrome, dermatosparaxis type. Last evaluated: 2026-02-04. Review status: criteria provided, single submitter. Criteria: Invitae Variant Classification Sherloc (09022015). Collection method: clinical testing. Allele origin: germline.

Blueprint Genetics
Classification: Benign. Last evaluated: 2024-11-26. Review status: criteria provided, single submitter. Criteria: ACMG Guidelines, 2015. Collection method: clinical testing. Allele origin: germline.

Genome-Nilou Lab
Classification: Benign for Ehlers-Danlos syndrome, dermatosparaxis type. Last evaluated: 2021-07-10. Review status: criteria provided, single submitter. Criteria: ACMG Guidelines, 2015. Collection method: clinical testing. Allele origin: germline. Affected: no.

Mayo Clinic Laboratories, Mayo Clinic
Classification: Benign. Last evaluated: 2019-03-13. Review status: criteria provided, single submitter. Criteria: ACMG Guidelines, 2015. Collection method: clinical testing. Allele origin: germline. Observed: 2,595 variant alleles.

Women's Health and Genetics/Laboratory Corporation of America, LabCorp
Classification: Benign. Last evaluated: 2018-06-29. Review status: criteria provided, single submitter. Criteria: LabCorp Variant Classification Summary - May 2015. Collection method: clinical testing. Allele origin: germline.
Comment: Variant summary: ADAMTS2 c.534+9G>C alters a non-conserved nucleotide located close to a canonical splice site and therefore could affect mRNA splicing, leading to a significantly altered protein sequence. 5/5 computational tools predict no significant impact on normal splicing. However, these predictions have yet to be confirmed by functional studies. The variant allele was found at a frequency of 0.42 in 105062 control chromosomes in the ExAC database, including 9072 homozygotes. The observed variant frequency is approximately 144-fold of the estimated maximal expected allele frequency for a pathogenic variant in ADAMTS2 causing Ehlers-Danlos Syndrome, Type VIIC (Dermatosparaxis) phenotype (0.0029), strongly suggesting that the variant is benign. To our knowledge, no occurrence of c.534+9G>C in individuals affected with Ehlers-Danlos Syndrome, Type VIIC (Dermatosparaxis) and no experimental evidence demonstrating its impact on protein function have been reported. Two clinical diagnostic laboratories have submitted clinical-significance assessments for this variant to ClinVar after 2014 without evidence for independent evaluation and classified the variant as benign. Based on the evidence outlined above, the variant was classified as benign.

Illumina Laboratory Services, Illumina
Classification: Benign for Ehlers-Danlos syndrome, dermatosparaxis type. Last evaluated: 2018-01-12. Review status: criteria provided, single submitter. Criteria: ICSL Variant Classification Criteria 13 December 2019. Collection method: clinical testing. Allele origin: germline.
Comment: This variant was observed in the ICSL laboratory as part of a predisposition screen in an ostensibly healthy population. It had not been previously curated by ICSL or reported in the Human Gene Mutation Database (HGMD: prior to June 1st, 2018), and was therefore a candidate for classification through an automated scoring system. Utilizing variant allele frequency, disease prevalence and penetrance estimates, and inheritance mode, an automated score was calculated to assess if this variant is too frequent to cause the disease. Based on the score and internal cut-off values, a variant classified as benign is not then subjected to further curation. The score for this variant resulted in a classification of benign for this disease.

GeneDx
Classification: Benign. Last evaluated: 2016-09-29. Review status: criteria provided, single submitter. Criteria: GeneDx Variant Classification (06012015). Collection method: clinical testing. Allele origin: germline. Affected: yes.
Comment: This variant is considered likely benign or benign based on one or more of the following criteria: it is a conservative change, it occurs at a poorly conserved position in the protein, it is predicted to be benign by multiple in silico algorithms, and/or has population frequency not consistent with disease.

Natera, Inc.
Classification: Benign for Ehlers-Danlos syndrome type VIIC. Last evaluated: 2020-09-16. Review status: no assertion criteria provided. Collection method: clinical testing. Allele origin: germline. Not counted in ClinVar's aggregate classification.

Genome Diagnostics Laboratory, Amsterdam University Medical Center
Classification: Benign for Ehlers-Danlos syndrome, dermatosparaxis type. Last evaluated: 2014-02-04. Review status: no assertion criteria provided. Criteria: ACGS Guidelines, 2013. Collection method: clinical testing. Allele origin: germline. Affected: yes. Study: VKGL Data-share Consensus. Not counted in ClinVar's aggregate classification.

Diagnostic Laboratory, Department of Genetics, University Medical Center Groningen
Classification: Benign for Ehlers-Danlos syndrome, dermatosparaxis type. Review status: no assertion criteria provided. Collection method: clinical testing. Allele origin: germline. Affected: yes. Study: VKGL Data-share Consensus. Not counted in ClinVar's aggregate classification.